The following is an entry in ClinVar:

NM_013264.5(DDX25):c.1194T>C (p.Cys398=)

Gene: DDX25 (DEAD-box helicase 25; plus strand). Cytogenetic location: 11q24.2.
Variant type: single nucleotide variant.
Coding change: c.1194T>C on transcript NM_013264.5 (MANE Select); coding-DNA position 1194, T replaced by C.
Protein change: p.Cys398=; no amino-acid change (cysteine 398 retained).
Molecular consequence: synonymous variant.
Genome position (GRCh38, 1-based): chr11:125,918,783, T>C. VCF-style: chr11-125918783-T-C. GRCh37 (hg19) VCF-style: chr11-125788678-T-C.
Other names: c.852T>C, p.Cys284= (NM_001330438.2).
Identifiers: ClinVar variation 1222364 (VCV001222364.4), dbSNP rs683155, ClinGen allele CA6351088.

ClinVar aggregate classification (germline): Benign. Review status: criteria provided, multiple submitters, no conflicts (2 of 4 stars). 2 submissions from 2 submitters: Benign (2). Last evaluated 2018-11-10.

Allele frequency attached by ClinVar (database versions not stated): gnomAD exomes 0.68453 and 0.69736; ESP Exome Variant Server 0.68894; 1000 Genomes Project 0.68990; gnomAD 0.69041 and 0.69051; 1000 Genomes Project 30x 0.69332; TOPMed 0.69379; ExAC 0.71489.

Submissions (2):

GeneDx
Classification: Benign. Last evaluated: 2018-11-10. Review status: criteria provided, single submitter. Criteria: GeneDx Variant Classification Process June 2021. Collection method: clinical testing. Allele origin: germline. Affected: yes.
Comment: This variant is associated with the following publications: (PMID: 16293649, 24168058)

Breakthrough Genomics
Classification: Benign. Review status: criteria provided, single submitter. Criteria: ACMG Guidelines, 2015. Collection method: not provided. Allele origin: germline. Inheritance: Unknown mechanism. Affected: yes.